The following is an entry in ClinVar:

ClinVar aggregate classification (germline): Uncertain significance (1 of 4 stars; one submission).

Conditions:
Cardiovascular phenotype. Identifiers: MedGen CN230736.

Submission:

Ambry Genetics
Classification: Uncertain significance for Cardiovascular phenotype. Last evaluated: 2026-04-01. Review status: criteria provided, single submitter. Criteria: Ambry Variant Classification Scheme 2023. Collection method: clinical testing. Allele origin: germline.
Comment: The c.19771+2T>C intronic variant results from a T to C substitution two nucleotides after coding exon 78 in the TTN gene. This exon is located in the I-band region of the N2-B isoform of the titin protein and is constitutively expressed in TTN transcripts (percent spliced in or PSI 100%). Variants that disrupt the canonical splice site are expected to result in aberrant splicing. In silico splice site analysis predicts that this alteration will weaken the native splice donor site. A resulting transcript is predicted to be in-frame and is not expected to trigger nonsense-mediated mRNAdecay; although, direct evidence is unavailable. This nucleotide position is highly conserved in available vertebrate species. Based on the available evidence, the clinical significance of this variant remains unclear.

NM_001267550.2(TTN):c.46966+2T>C

Genes: TTN (titin; minus strand), TTN-AS1 (TTN antisense RNA 1; plus strand). Cytogenetic location: 2q31.2.
Variant type: single nucleotide variant.
Coding change: c.46966+2T>C on transcript NM_001267550.2 (MANE Select); the canonical splice donor site of the intron after coding-DNA position 46966, T replaced by C.
Molecular consequence: splice donor variant.
Genome position (GRCh38, 1-based): chr2:178,618,582, A>G on the plus strand (T>C on the coding strand, the complement: TTN is on the minus strand). VCF-style: chr2-178618582-A-G. GRCh37 (hg19) VCF-style: chr2-179483309-A-G.
Other names: c.19771+2T>C (NM_003319.4); c.20347+2T>C (NM_133437.4); c.20146+2T>C (NM_133432.3); c.39262+2T>C (NM_133378.4); c.42043+2T>C (NM_001256850.1).
Identifiers: ClinVar variation 4866188 (VCV004866188.1).